The following is an entry in ClinVar:

NM_032607.3(CREB3L3):c.286G>A (p.Asp96Asn)

Gene: CREB3L3 (cAMP responsive element binding protein 3 like 3; plus strand). Cytogenetic location: 19p13.3.
Variant type: single nucleotide variant.
Coding change: c.286G>A on transcript NM_032607.3 (MANE Select); coding-DNA position 286, G replaced by A.
Protein change: p.Asp96Asn; replaces aspartic acid 96 with asparagine.
Molecular consequence: missense variant.
Genome position (GRCh38, 1-based): chr19:4,157,124, G>A. VCF-style: chr19-4157124-G-A. GRCh37 (hg19) VCF-style: chr19-4157121-G-A.
Other names: c.283G>A, p.Asp95Asn (NM_001271995.2); c.286G>A, p.Asp96Asn (NM_001271996.2, NM_001271997.2); short protein forms D96N, D95N.
Identifiers: ClinVar variation 2713691 (VCV002713691.3), dbSNP rs146158593, ClinGen allele CA9091259.

ClinVar aggregate classification (germline): Uncertain significance (1 of 4 stars; one submission).

Allele frequency attached by ClinVar (database versions not stated): ExAC 0.00002; TOPMed 0.00002; gnomAD 0.00003; ESP Exome Variant Server 0.00008.
gnomAD v4.1: 135 of 1,613,422 alleles (0.0084%); highest among the groups gnomAD compares: Non-Finnish European, 0.011%; no homozygotes.

Submission:

Labcorp Genetics (formerly Invitae), Labcorp
Classification: Uncertain significance. Last evaluated: 2023-10-04. Review status: criteria provided, single submitter. Criteria: Invitae Variant Classification Sherloc (09022015). Collection method: clinical testing. Allele origin: germline.
Comment: This sequence change replaces aspartic acid, which is acidic and polar, with asparagine, which is neutral and polar, at codon 96 of the CREB3L3 protein (p.Asp96Asn). This variant is present in population databases (rs146158593, gnomAD 0.007%). This missense change has been observed in individual(s) with CREB3L3-related conditions (PMID: 32041611). Advanced modeling of protein sequence and biophysical properties (such as structural, functional, and spatial information, amino acid conservation, physicochemical variation, residue mobility, and thermodynamic stability) performed at Invitae indicates that this missense variant is not expected to disrupt CREB3L3 protein function. In summary, the available evidence is currently insufficient to determine the role of this variant in disease. Therefore, it has been classified as a Variant of Uncertain Significance.

Literature cited by the submitters: PubMed 32041611.